The following is an entry in ClinVar:

ClinVar aggregate classification (germline): Uncertain significance. Review status: criteria provided, multiple submitters, no conflicts (2 of 4 stars). 3 submissions from 3 submitters: Uncertain significance (3). Last evaluated 2025-02-19.

Conditions:
Inborn genetic diseases. Identifiers: MedGen C0950123, MeSH D030342.
Netherton syndrome (NETH). Also called: NETHERTON DISEASE; ERYTHRODERMA, ICHTHYOSIFORM, WITH HYPOTRICHOSIS AND HYPER-IgE; COMEL-NETHERTON SYNDROME. Identifiers: Orphanet 634, MedGen C5574950, MONDO:0009735, OMIM 256500.

Allele frequency attached by ClinVar (database versions not stated): gnomAD exomes 0.00005 and 0.00011; gnomAD 0.00007 and 0.00008; TOPMed 0.00009; ExAC 0.00014; ESP Exome Variant Server 0.00017.
gnomAD v4.1: 93 of 1,609,290 alleles (0.0058%); highest among the groups gnomAD compares: Non-Finnish European, 0.007%; no homozygotes.

Submissions (3):

Ambry Genetics
Classification: Uncertain significance for Inborn genetic diseases. Last evaluated: 2025-02-19. Review status: criteria provided, single submitter. Criteria: Ambry Variant Classification Scheme 2023. Collection method: clinical testing. Allele origin: germline.

Blueprint Genetics
Classification: Uncertain significance. Last evaluated: 2024-01-12. Review status: criteria provided, single submitter. Criteria: ACMG Guidelines, 2015. Collection method: clinical testing. Allele origin: germline.

Labcorp Genetics (formerly Invitae), Labcorp
Classification: Uncertain significance for Ichthyosis linearis circumflexa. Last evaluated: 2022-08-01. Review status: criteria provided, single submitter. Criteria: Invitae Variant Classification Sherloc (09022015). Collection method: clinical testing. Allele origin: germline.
Comment: This sequence change replaces serine, which is neutral and polar, with asparagine, which is neutral and polar, at codon 298 of the SPINK5 protein (p.Ser298Asn). This variant is present in population databases (rs201879958, gnomAD 0.02%). This variant has not been reported in the literature in individuals affected with SPINK5-related conditions. ClinVar contains an entry for this variant (Variation ID: 837623). Algorithms developed to predict the effect of missense changes on protein structure and function output the following: SIFT: "Deleterious"; PolyPhen-2: "Possibly Damaging"; Align-GVGD: "Class C0". The asparagine amino acid residue is found in multiple mammalian species, which suggests that this missense change does not adversely affect protein function. In summary, the available evidence is currently insufficient to determine the role of this variant in disease. Therefore, it has been classified as a Variant of Uncertain Significance.

NM_006846.4(SPINK5):c.893G>A (p.Ser298Asn)

Gene: SPINK5 (serine peptidase inhibitor Kazal type 5; plus strand). Cytogenetic location: 5q32.
Variant type: single nucleotide variant.
Coding change: c.893G>A on transcript NM_006846.4 (MANE Select); coding-DNA position 893, G replaced by A.
Protein change: p.Ser298Asn; replaces serine 298 with asparagine.
Molecular consequence: missense variant.
Genome position (GRCh38, 1-based): chr5:148,097,877, G>A. VCF-style: chr5-148097877-G-A. GRCh37 (hg19) VCF-style: chr5-147477440-G-A.
Other names: c.893G>A, p.Ser298Asn (NM_001127698.2, NM_001127699.2); short protein forms S298N.
Identifiers: ClinVar variation 837623 (VCV000837623.7), dbSNP rs201879958, ClinGen allele CA3495407.